The following is an entry in ClinVar:

ClinVar aggregate classification (germline): Uncertain significance (1 of 4 stars; one submission).

Conditions:
Familial cancer of breast. Also called: Hereditary breast cancer; hereditary breast carcinoma; BREAST CANCER, FAMILIAL. Identifiers: Orphanet 227535, MedGen C0346153, MONDO:0016419, OMIM 114480. Disease mechanism: loss of function.

Submission:

Labcorp Genetics (formerly Invitae), Labcorp
Classification: Uncertain significance for Familial cancer of breast. Last evaluated: 2022-03-09. Review status: criteria provided, single submitter. Criteria: Invitae Variant Classification Sherloc (09022015). Collection method: clinical testing. Allele origin: germline.
Comment: In summary, the available evidence is currently insufficient to determine the role of this variant in disease. Therefore, it has been classified as a Variant of Uncertain Significance. Studies have shown that disruption of this splice site results in the activation of a cryptic splice site in intron 8 (Invitae). This variant has not been reported in the literature in individuals affected with CHEK2-related conditions. Information on the frequency of this variant in the gnomAD database is not available, as this variant may be reported differently in the database. This sequence change affects a splice site in intron 8 of the CHEK2 gene. RNA analysis indicates that disruption of this splice site induces altered splicing and likely results in the gain of 16 amino acid residue(s), but is expected to preserve the integrity of the reading-frame.

NM_007194.4(CHEK2):c.909-1_909delinsAC

Gene: CHEK2 (checkpoint kinase 2; minus strand). Cytogenetic location: 22q12.1.
Variant type: Indel.
Coding change: c.909-1_909delinsAC on transcript NM_007194.4 (MANE Select); the canonical splice acceptor site of the intron before coding-DNA position 909 through coding-DNA position 909, GG replaced by AC.
Molecular consequence: splice acceptor variant.
Genome position (GRCh38, 1-based): chr22:28,699,937-28,699,938, CC replaced by GT on the plus strand (GG replaced by AC on the coding strand, the reverse complement: CHEK2 is on the minus strand). VCF-style: chr22-28699937-CC-GT. GRCh37 (hg19) VCF-style: chr22-29095925-CC-GT.
Other names: c.246-1_246delinsAC (NM_001437942.1, NM_001257387.3); c.708-1_708delinsAC (NM_001349956.3); c.909-1_909delinsAC (NM_145862.3); c.1002-1_1002delinsAC (NM_001438295.1, NM_001438293.1); c.1038-1_1038delinsAC (NM_001438294.1, NM_001005735.3).
Identifiers: ClinVar variation 2100925 (VCV002100925.4), dbSNP rs2517851618, ClinGen allele CA2580099600.
Genomic context (GRCh38, chr22:28,699,937, plus strand): 5'-GGTAGCTTCTTTCAGGCGTTTATTCCCCACCACTTTGTCAAACAGCTCTCCCCCTTCCAT[CC>GT]TGAAACACAAAGGCAAGGCAAGGGGTTCATTCCTGGGGGAAAACGCACTTGGACAGAAGA-3'